The following is an entry in ClinVar:

ClinVar aggregate classification (germline): Conflicting classifications of pathogenicity. Review status: criteria provided, conflicting classifications (1 of 4 stars). 3 submissions from 3 submitters: Uncertain significance (1); Likely benign (1). 1 of the submissions does not count toward it. Last evaluated 2022-10-25.

Conditions:
ACACB-related disorder. Also called: ACACB-related condition.

Allele frequency attached by ClinVar (database versions not stated): 1000 Genomes Project 0.00060; 1000 Genomes Project 30x 0.00062; ExAC 0.00205; ESP Exome Variant Server 0.00208; gnomAD exomes 0.00215 and 0.00371; gnomAD 0.00217 and 0.00226; TOPMed 0.00239.
gnomAD v4.1: 5,724 of 1,614,128 alleles (0.35%); highest among the groups gnomAD compares: Non-Finnish European, 0.44%; 18 homozygotes.

Submissions (3):

ARUP Laboratories, Molecular Genetics and Genomics, ARUP Laboratories
Classification: Uncertain significance. Last evaluated: 2022-10-25. Review status: criteria provided, single submitter. Criteria: ARUP Molecular Germline Variant Investigation Process 2021. Collection method: clinical testing. Allele origin: germline.

Labcorp Genetics (formerly Invitae), Labcorp
Classification: Likely benign. Last evaluated: 2019-12-31. Review status: criteria provided, single submitter. Criteria: Invitae Variant Classification Sherloc (09022015). Collection method: clinical testing. Allele origin: germline.

PreventionGenetics, part of Exact Sciences
Classification: Likely benign for ACACB-related condition. Last evaluated: 2019-10-07. Review status: no assertion criteria provided. Collection method: clinical testing. Allele origin: germline. Not counted in ClinVar's aggregate classification.
Comment: This variant is classified as likely benign based on ACMG/AMP sequence variant interpretation guidelines (Richards et al. 2015 PMID: 25741868, with internal and published modifications).

NM_001093.4(ACACB):c.134A>G (p.Gln45Arg)

Gene: ACACB (acetyl-CoA carboxylase beta; plus strand). Cytogenetic location: 12q24.11.
Variant type: single nucleotide variant.
Coding change: c.134A>G on transcript NM_001093.4 (MANE Select); coding-DNA position 134, A replaced by G.
Protein change: p.Gln45Arg; replaces glutamine 45 with arginine.
Molecular consequence: missense variant.
Genome position (GRCh38, 1-based): chr12:109,139,539, A>G. VCF-style: chr12-109139539-A-G. GRCh37 (hg19) VCF-style: chr12-109577344-A-G.
Other names: short protein forms Q45R.
Identifiers: ClinVar variation 789325 (VCV000789325.18), dbSNP rs139767464, ClinGen allele CA6772883.